The following is an entry in ClinVar:

ClinVar aggregate classification (germline): Uncertain significance (1 of 4 stars; one submission).

Conditions:
Long QT syndrome (LQTS). Identifiers: MedGen C0023976, MeSH D008133, MONDO:0002442. Disease mechanism: loss of function. Inheritance: Various modes of inheritance.

gnomAD v4.1: 3 of 1,475,674 alleles (0.0002%); highest among the groups gnomAD compares: Non-Finnish European, 0.00018%; no homozygotes.

Submission:

Labcorp Genetics (formerly Invitae), Labcorp
Classification: Uncertain significance for Long QT syndrome. Last evaluated: 2025-01-11. Review status: criteria provided, single submitter. Criteria: Invitae Variant Classification Sherloc (09022015). Collection method: clinical testing. Allele origin: germline.
Comment: This sequence change replaces arginine, which is basic and polar, with cysteine, which is neutral and slightly polar, at codon 159 of the KCNH2 protein (p.Arg159Cys). The frequency data for this variant in the population databases is considered unreliable, as metrics indicate poor data quality at this position in the gnomAD database. This variant has not been reported in the literature in individuals affected with KCNH2-related conditions. An algorithm developed to predict the effect of missense changes on protein structure and function (PolyPhen-2) suggests that this variant is likely to be disruptive. In summary, the available evidence is currently insufficient to determine the role of this variant in disease. Therefore, it has been classified as a Variant of Uncertain Significance.

NM_000238.4(KCNH2):c.475C>T (p.Arg159Cys)

Gene: KCNH2 (potassium voltage-gated channel subfamily H member 2; minus strand). Cytogenetic location: 7q36.1.
Variant type: single nucleotide variant.
Coding change: c.475C>T on transcript NM_000238.4 (MANE Select); coding-DNA position 475, C replaced by T.
Protein change: p.Arg159Cys; replaces arginine 159 with cysteine.
Molecular consequence: missense variant. On other transcripts: non-coding transcript variant (1).
Genome position (GRCh38, 1-based): chr7:150,958,500, G>A on the plus strand (C>T on the coding strand, the complement: KCNH2 is on the minus strand). VCF-style: chr7-150958500-G-A. GRCh37 (hg19) VCF-style: chr7-150655588-G-A.
Other names: c.187C>T, p.Arg63Cys (NM_001406753.1, NM_001406756.1); c.298C>T, p.Arg100Cys (NM_001406755.1); c.175C>T, p.Arg59Cys (NM_001406757.1); c.475C>T, p.Arg159Cys (NM_172056.3); short protein forms R100C, R159C, R59C, R63C.
Identifiers: ClinVar variation 3627976 (VCV003627976.2).